The following is an entry in ClinVar:

ClinVar aggregate classification (germline): Uncertain significance (1 of 4 stars; one submission).

Submission:

GeneDx
Classification: Uncertain significance. Last evaluated: 2025-07-30. Review status: criteria provided, single submitter. Criteria: GeneDx Variant Classification Process June 2021. Collection method: clinical testing. Allele origin: germline. Affected: yes.
Comment: Not observed at significant frequency in large population cohorts (gnomAD); In silico analysis supports that this missense variant has a deleterious effect on protein structure/function; Has not been previously published as pathogenic or benign to our knowledge

NM_170606.3(KMT2C):c.107C>T (p.Pro36Leu)

Gene: KMT2C (lysine methyltransferase 2C; minus strand). Cytogenetic location: 7q36.1.
Variant type: single nucleotide variant.
Coding change: c.107C>T on transcript NM_170606.3 (MANE Select); coding-DNA position 107, C replaced by T.
Protein change: p.Pro36Leu; replaces proline 36 with leucine.
Molecular consequence: missense variant.
Genome position (GRCh38, 1-based): chr7:152,435,680, G>A on the plus strand (C>T on the coding strand, the complement: KMT2C is on the minus strand). VCF-style: chr7-152435680-G-A. GRCh37 (hg19) VCF-style: chr7-152132765-G-A.
Other names: short protein forms P36L.
Identifiers: ClinVar variation 4689983 (VCV004689983.1).
Genomic context (GRCh38, chr7:152,435,680, plus strand): 5'-ACTTACTTCTTTCTGGCTCTCTGGAAAGGGGAAGCGCCATCTTTGCGAGGCCGGCCCCGA[G>A]GTCTTTTGTCTGCGGCTGCGGGGCTCGGGGCCGGGGCTCCAGGCTCCTCGGGGGGTGGTG-3'
Protein context (NP_733751.2, residues 26-46): APSPAAADKR[Pro36Leu]RGRPRKDGAS